The following is an entry in ClinVar:

NM_182914.3(SYNE2):c.14053G>A (p.Ala4685Thr)

Gene: SYNE2 (spectrin repeat containing nuclear envelope protein 2; plus strand). Cytogenetic location: 14q23.2.
Variant type: single nucleotide variant.
Coding change: c.14053G>A on transcript NM_182914.3 (MANE Select); coding-DNA position 14053, G replaced by A.
Protein change: p.Ala4685Thr; replaces alanine 4685 with threonine.
Molecular consequence: missense variant.
Genome position (GRCh38, 1-based): chr14:64,129,815, G>A. VCF-style: chr14-64129815-G-A. GRCh37 (hg19) VCF-style: chr14-64596533-G-A.
Other names: c.14053G>A, p.Ala4685Thr (NM_015180.6); c.14053G>A (NM_182914.2); short protein forms A4685T.
Identifiers: ClinVar variation 283938 (VCV000283938.9), dbSNP rs779457100, ClinGen allele CA7222667.

ClinVar aggregate classification (germline): Uncertain significance. Review status: criteria provided, multiple submitters, no conflicts (2 of 4 stars). 3 submissions from 3 submitters: Uncertain significance (3). Last evaluated 2025-05-12.

Conditions:
Emery-Dreifuss muscular dystrophy 5, autosomal dominant (EDMD5). Also called: EMERY-DREIFUSS MUSCULAR DYSTROPHY 5. Identifiers: Orphanet 261, MedGen C2751805, MONDO:0013072, OMIM 612999.
SYNE2-related disorder. Also called: SYNE2-related condition.

Allele frequency attached by ClinVar (database versions not stated): ExAC 0.00002; gnomAD exomes 0.00002; TOPMed 0.00002.
gnomAD v4.1: 13 of 1,614,020 alleles (0.00081%); highest among the groups gnomAD compares: South Asian, 0.0011%; no homozygotes.

Submissions (3):

PreventionGenetics, part of Exact Sciences
Classification: Uncertain significance for SYNE2-related condition. Last evaluated: 2025-05-12. Review status: criteria provided, single submitter. Criteria: ACMG Guidelines, 2015. Collection method: clinical testing. Allele origin: germline.
Comment: The SYNE2 c.14053G>A variant is predicted to result in the amino acid substitution p.Ala4685Thr. To our knowledge, this variant has not been reported in the literature. This variant is reported in 0.0099% of alleles in individuals of Ashkenazi Jewish descent in gnomAD. At this time, the clinical significance of this variant is uncertain due to the absence of conclusive functional and genetic evidence.

Labcorp Genetics (formerly Invitae), Labcorp
Classification: Uncertain significance for Emery-Dreifuss muscular dystrophy 5, autosomal dominant. Last evaluated: 2022-12-18. Review status: criteria provided, single submitter. Criteria: Invitae Variant Classification Sherloc (09022015). Collection method: clinical testing. Allele origin: germline.
Comment: This variant is present in population databases (rs779457100, gnomAD 0.01%). This variant has not been reported in the literature in individuals affected with SYNE2-related conditions. ClinVar contains an entry for this variant (Variation ID: 283938). Algorithms developed to predict the effect of missense changes on protein structure and function (SIFT, PolyPhen-2, Align-GVGD) all suggest that this variant is likely to be tolerated. In summary, the available evidence is currently insufficient to determine the role of this variant in disease. Therefore, it has been classified as a Variant of Uncertain Significance. This sequence change replaces alanine, which is neutral and non-polar, with threonine, which is neutral and polar, at codon 4685 of the SYNE2 protein (p.Ala4685Thr).

Eurofins Ntd Llc (ga)
Classification: Uncertain significance. Last evaluated: 2015-10-13. Review status: criteria provided, single submitter. Criteria: EGL Classification Definitions 2015. Collection method: clinical testing. Allele origin: germline. Observed: 1 variant allele, 1 heterozygote.